The following is an entry in ClinVar:

ClinVar aggregate classification (germline): Uncertain significance (0 of 4 stars; one submission).

Conditions:
TUB-related disorder. Also called: TUB-related condition.

Submission:

PreventionGenetics, part of Exact Sciences
Classification: Uncertain significance for TUB-related condition. Last evaluated: 2024-01-03. Review status: no assertion criteria provided. Collection method: clinical testing. Allele origin: germline.
Comment: The TUB c.353A>C variant is predicted to result in the amino acid substitution p.Gln118Pro. To our knowledge, this variant has not been reported in the literature or in a large population database, indicating this variant is rare. At this time, the clinical significance of this variant is uncertain due to the absence of conclusive functional and genetic evidence.

NM_177972.3(TUB):c.188A>C (p.Gln63Pro)

Gene: TUB (TUB bipartite transcription factor; plus strand). Cytogenetic location: 11p15.4.
Variant type: single nucleotide variant.
Coding change: c.188A>C on transcript NM_177972.3 (MANE Select); coding-DNA position 188, A replaced by C.
Protein change: p.Gln63Pro; replaces glutamine 63 with proline.
Molecular consequence: missense variant.
Genome position (GRCh38, 1-based): chr11:8,090,166, A>C. VCF-style: chr11-8090166-A-C. GRCh37 (hg19) VCF-style: chr11-8111713-A-C.
Other names: c.353A>C, p.Gln118Pro (NM_003320.5); short protein forms Q118P, Q63P.
Identifiers: ClinVar variation 3352820 (VCV003352820.1).